The following is an entry in ClinVar:

NM_198904.4(GABRG2):c.361T>C (p.Trp121Arg)

Gene: GABRG2 (gamma-aminobutyric acid type A receptor subunit gamma2; plus strand). Cytogenetic location: 5q34.
Variant type: single nucleotide variant.
Coding change: c.361T>C on transcript NM_198904.4 (MANE Select); coding-DNA position 361, T replaced by C.
Protein change: p.Trp121Arg; replaces tryptophan 121 with arginine.
Molecular consequence: missense variant. On other transcripts: intron variant (2).
Genome position (GRCh38, 1-based): chr5:162,097,671, T>C. VCF-style: chr5-162097671-T-C. GRCh37 (hg19) VCF-style: chr5-161524677-T-C.
Other names: c.361T>C, p.Trp121Arg (NM_000816.3, NM_001375340.1, NM_001375341.1 and 4 more transcripts); c.352T>C, p.Trp118Arg (NM_001375339.1); c.295T>C, p.Trp99Arg (NM_001375345.1, NM_001375346.1); c.274T>C, p.Trp92Arg (NM_001375347.1); c.76T>C, p.Trp26Arg (NM_001375349.1); c.-31-29T>C (NM_001375350.1, NM_001375348.1); short protein forms W121R, W92R, W99R, W118R, W26R.
Identifiers: ClinVar variation 4789499 (VCV004789499.1).

ClinVar aggregate classification (germline): Likely pathogenic (1 of 4 stars; one submission).

Conditions:
Febrile seizures, familial, 8 (FEB8). Also called: CONVULSIONS, FAMILIAL FEBRILE, 8. Identifiers: Orphanet 36387, MedGen C1969810, MONDO:0011891, OMIM 607681.
EPILEPSY, CHILDHOOD ABSENCE, SUSCEPTIBILITY TO, 2 (ECA2). Identifiers: Orphanet 64280, MedGen C1843244, OMIM 607681.

Submission:

Labcorp Genetics (formerly Invitae), Labcorp
Classification: Likely pathogenic for Febrile seizures, familial, 8; EPILEPSY, CHILDHOOD ABSENCE, SUSCEPTIBILITY TO, 2. Last evaluated: 2025-06-19. Review status: criteria provided, single submitter. Criteria: Invitae Variant Classification Sherloc (09022015). Collection method: clinical testing. Allele origin: germline.
Comment: This sequence change replaces tryptophan, which is neutral and slightly polar, with arginine, which is basic and polar, at codon 121 of the GABRG2 protein (p.Trp121Arg). This variant is not present in population databases (gnomAD no frequency). This variant has not been reported in the literature in individuals affected with GABRG2-related conditions. Invitae Evidence Modeling of protein sequence and biophysical properties (such as structural, functional, and spatial information, amino acid conservation, physicochemical variation, residue mobility, and thermodynamic stability) indicates that this missense variant is expected to disrupt GABRG2 protein function with a positive predictive value of 95%. This variant disrupts the p.Trp121 amino acid residue in GABRG2. Other variant(s) that disrupt this residue have been determined to be pathogenic (internal data). This suggests that this residue is clinically significant, and that variants that disrupt this residue are likely to be disease-causing. In summary, the currently available evidence indicates that the variant is pathogenic, but additional data are needed to prove that conclusively. Therefore, this variant has been classified as Likely Pathogenic.